The following is an entry in ClinVar:

NM_020911.2(PLXNA4):c.5368G>A (p.Gly1790Ser)

Gene: PLXNA4 (plexin A4; minus strand). Cytogenetic location: 7q32.3.
Variant type: single nucleotide variant.
Coding change: c.5368G>A on transcript NM_020911.2 (MANE Select); coding-DNA position 5368, G replaced by A.
Protein change: p.Gly1790Ser; replaces glycine 1790 with serine.
Molecular consequence: missense variant.
Genome position (GRCh38, 1-based): chr7:132,140,669, C>T on the plus strand (G>A on the coding strand, the complement: PLXNA4 is on the minus strand). VCF-style: chr7-132140669-C-T. GRCh37 (hg19) VCF-style: chr7-131825428-C-T.
Other names: c.5368G>A, p.Gly1790Ser (NM_001393897.1); short protein forms G1790S.
Identifiers: ClinVar variation 4985324 (VCV004985324.1).

ClinVar aggregate classification (germline): Uncertain significance (1 of 4 stars; one submission).

Conditions:
PLXNA4-related disorder. Also called: PLXNA4-related condition.

gnomAD v4.1: 12 of 1,614,034 alleles (0.00074%); highest among the groups gnomAD compares: African/African-American, 0.0013%; no homozygotes.

Submission:

PreventionGenetics, part of Exact Sciences
Classification: Uncertain significance for PLXNA4-related condition. Last evaluated: 2025-02-05. Review status: criteria provided, single submitter. Criteria: ACMG Guidelines, 2015. Collection method: clinical testing. Allele origin: germline.
Comment: The PLXNA4 c.5368G>A variant is predicted to result in the amino acid substitution p.Gly1790Ser. To our knowledge, this variant has not been reported in the literature. This variant is reported in 0.00088% of alleles in individuals of European (Non-Finnish) descent in gnomAD. At this time, the clinical significance of this variant is uncertain due to the absence of conclusive functional and genetic evidence.